The following is an entry in ClinVar:

ClinVar aggregate classification (germline): Uncertain significance. Review status: criteria provided, multiple submitters, no conflicts (2 of 4 stars). 2 submissions from 2 submitters: Uncertain significance (2). Last evaluated 2025-11-08.

Allele frequency attached by ClinVar (database versions not stated): gnomAD 0.00001; gnomAD exomes 0.00001 and 0.00003; TOPMed 0.00002; ExAC 0.00003; ESP Exome Variant Server 0.00008.

Submissions (2):

Ambry Genetics
Classification: Uncertain significance. Last evaluated: 2025-11-08. Review status: criteria provided, single submitter. Criteria: Ambry Variant Classification Scheme 2023. Collection method: clinical testing. Allele origin: germline.

Labcorp Genetics (formerly Invitae), Labcorp
Classification: Uncertain significance. Last evaluated: 2025-04-10. Review status: criteria provided, single submitter. Criteria: Invitae Variant Classification Sherloc (09022015). Collection method: clinical testing. Allele origin: germline.
Comment: This sequence change replaces arginine, which is basic and polar, with histidine, which is basic and polar, at codon 82 of the WNT3A protein (p.Arg82His). This variant is present in population databases (rs142644449, gnomAD 0.02%). This variant has not been reported in the literature in individuals affected with WNT3A-related conditions. ClinVar contains an entry for this variant (Variation ID: 1418056). Invitae Evidence Modeling of protein sequence and biophysical properties (such as structural, functional, and spatial information, amino acid conservation, physicochemical variation, residue mobility, and thermodynamic stability) indicates that this missense variant is not expected to disrupt WNT3A protein function with a negative predictive value of 80%. In summary, the available evidence is currently insufficient to determine the role of this variant in disease. Therefore, it has been classified as a Variant of Uncertain Significance.

NM_033131.4(WNT3A):c.245G>A (p.Arg82His)

Gene: WNT3A (Wnt family member 3A; plus strand). Cytogenetic location: 1q42.13.
Variant type: single nucleotide variant.
Coding change: c.245G>A on transcript NM_033131.4 (MANE Select); coding-DNA position 245, G replaced by A.
Protein change: p.Arg82His; replaces arginine 82 with histidine.
Molecular consequence: missense variant.
Genome position (GRCh38, 1-based): chr1:228,022,840, G>A. VCF-style: chr1-228022840-G-A. GRCh37 (hg19) VCF-style: chr1-228210541-G-A.
Other names: c.245G>A (NM_033131.3); short protein forms R82H.
Identifiers: ClinVar variation 1418056 (VCV001418056.10), dbSNP rs142644449, ClinGen allele CA1429387.
Genomic context (GRCh38, chr1:228,022,840, plus strand): 5'-TCATGCCCAGCGTGGCCGAGGGCATCAAGATTGGCATCCAGGAGTGCCAGCACCAGTTCC[G>A]CGGCCGCCGGTGGAACTGCACCACCGTCCACGACAGCCTGGCCATCTTCGGGCCCGTGCT-3'
Protein context (NP_149122.1, residues 72-92): IGIQECQHQF[Arg82His]GRRWNCTTVH